The following is an entry in ClinVar:

NM_019616.4(F7):c.*1503C>T

Gene: F7 (coagulation factor VII; plus strand). Cytogenetic location: 13q34.
Variant type: single nucleotide variant.
Coding change: c.*1503C>T on transcript NM_019616.4 (MANE Select); 1503 bases downstream of the stop codon, C replaced by T.
Molecular consequence: 3 prime UTR variant. On other transcripts: non-coding transcript variant (1).
Genome position (GRCh38, 1-based): chr13:113,120,511, C>T. VCF-style: chr13-113120511-C-T. GRCh37 (hg19) VCF-style: chr13-113774825-C-T.
Other names: c.*1503C>T (NM_000131.5, NM_001267554.2).
Identifiers: ClinVar variation 883865 (VCV000883865.4), dbSNP rs551279029, ClinGen allele CA256463092.

ClinVar aggregate classification (germline): Likely benign (1 of 4 stars; one submission).

Conditions:
Factor VII deficiency. Also called: Factor 7 deficiency; F7 DEFICIENCY; HYPOPROCONVERTINEMIA. Identifiers: MedGen C0015503, MeSH D005168, MONDO:0002244.

Allele frequency attached by ClinVar (database versions not stated): gnomAD 0.00007 and 0.00048; TOPMed 0.00018; gnomAD exomes 0.00079; 1000 Genomes Project 30x 0.00281; 1000 Genomes Project 0.00319.
gnomAD v4.1: 77 of 156,256 alleles (0.049%); highest among the groups gnomAD compares: South Asian, 1.2%; no homozygotes.

Submission:

Illumina Laboratory Services, Illumina
Classification: Likely benign for Congenital factor VII deficiency. Last evaluated: 2018-01-13. Review status: criteria provided, single submitter. Criteria: ICSL Variant Classification Criteria 13 December 2019. Collection method: clinical testing. Allele origin: germline.
Comment: This variant was observed in the ICSL laboratory as part of a predisposition screen in an ostensibly healthy population. It had not been previously curated by ICSL or reported in the Human Gene Mutation Database (HGMD: prior to June 1st, 2018), and was therefore a candidate for classification through an automated scoring system. Utilizing variant allele frequency, disease prevalence and penetrance estimates, and inheritance mode, an automated score was calculated to assess if this variant is too frequent to cause the disease. Based on the score and internal cut-off values, a variant classified as likely benign is not then subjected to further curation. The score for this variant resulted in a classification of likely benign for this disease.